The following is an entry in ClinVar:

NM_000391.4(TPP1):c.1049G>C (p.Arg350Pro)

Gene: TPP1 (tripeptidyl peptidase 1; minus strand). Cytogenetic location: 11p15.4.
Variant type: single nucleotide variant.
Coding change: c.1049G>C on transcript NM_000391.4 (MANE Select); coding-DNA position 1049, G replaced by C.
Protein change: p.Arg350Pro; replaces arginine 350 with proline.
Molecular consequence: missense variant.
Genome position (GRCh38, 1-based): chr11:6,616,341, C>G on the plus strand (G>C on the coding strand, the complement: TPP1 is on the minus strand). VCF-style: chr11-6616341-C-G. GRCh37 (hg19) VCF-style: chr11-6637572-C-G.
Other names: short protein forms R350P.
Identifiers: ClinVar variation 963509 (VCV000963509.7), dbSNP rs199866669, ClinGen allele CA5858787.

ClinVar aggregate classification (germline): Uncertain significance (1 of 4 stars; one submission).

gnomAD v4.1: 2 of 1,613,392 alleles (0.00012%); highest among the groups gnomAD compares: South Asian, 0.0011%; no homozygotes.

Submission:

Labcorp Genetics (formerly Invitae), Labcorp
Classification: Uncertain significance. Last evaluated: 2021-09-01. Review status: criteria provided, single submitter. Criteria: Invitae Variant Classification Sherloc (09022015). Collection method: clinical testing. Allele origin: germline.
Comment: This sequence change replaces arginine with proline at codon 350 of the TPP1 protein (p.Arg350Pro). The arginine residue is highly conserved and there is a moderate physicochemical difference between arginine and proline. This variant is present in population databases (rs199866669, ExAC 0.006%). This variant has not been reported in the literature in individuals affected with TPP1-related conditions. Algorithms developed to predict the effect of missense changes on protein structure and function are either unavailable or do not agree on the potential impact of this missense change (SIFT: "Deleterious"; PolyPhen-2: "Probably Damaging"; Align-GVGD: "Class C0"). In summary, the available evidence is currently insufficient to determine the role of this variant in disease. Therefore, it has been classified as a Variant of Uncertain Significance.